The following is an entry in ClinVar:

NM_001267550.2(TTN):c.95562G>C (p.Trp31854Cys)

Genes: TTN (titin; minus strand), TTN-AS1 (TTN antisense RNA 1; plus strand). Cytogenetic location: 2q31.2.
Variant type: single nucleotide variant.
Coding change: c.95562G>C on transcript NM_001267550.2 (MANE Select); coding-DNA position 95562, G replaced by C.
Protein change: p.Trp31854Cys; replaces tryptophan 31854 with cysteine.
Molecular consequence: missense variant.
Genome position (GRCh38, 1-based): chr2:178,545,548, C>G on the plus strand (G>C on the coding strand, the complement: TTN is on the minus strand). VCF-style: chr2-178545548-C-G. GRCh37 (hg19) VCF-style: chr2-179410275-C-G.
Other names: c.90639G>C, p.Trp30213Cys (NM_001256850.1); c.68367G>C, p.Trp22789Cys (NM_003319.4); c.87858G>C, p.Trp29286Cys (NM_133378.4); c.68742G>C, p.Trp22914Cys (NM_133432.3); c.68943G>C, p.Trp22981Cys (NM_133437.4); short protein forms W31854C, W22981C, W22789C, W22914C, W30213C, W29286C.
Identifiers: ClinVar variation 467677 (VCV000467677.12), dbSNP rs752756889, ClinGen allele CA1986927.

ClinVar aggregate classification (germline): Uncertain significance. Review status: criteria provided, multiple submitters, no conflicts (2 of 4 stars). 7 submissions from 7 submitters: Uncertain significance (4). 3 of the submissions do not count toward it. Last evaluated 2025-06-11.

Conditions:
Autosomal recessive limb-girdle muscular dystrophy type 2J (LGMDR10). Also called: MUSCULAR DYSTROPHY, LIMB-GIRDLE, AUTOSOMAL RECESSIVE 10; Limb-girdle muscular dystrophy, type 2J. Identifiers: Orphanet 140922, MedGen C1837342, MONDO:0012127, OMIM 608807.
Dilated cardiomyopathy 1G (CMD1G). Identifiers: Orphanet 154, MedGen C1858763, MONDO:0011400, OMIM 604145.
Early-onset myopathy with fatal cardiomyopathy (CMYO5). Also called: CONGENITAL MYOPATHY 5 WITH CARDIOMYOPATHY; Salih Myopathy. Identifiers: Orphanet 289377, MedGen C2673677, MONDO:0012714, OMIM 611705. Disease mechanism: loss of function.

Allele frequency attached by ClinVar (database versions not stated): ExAC 0.00001; gnomAD 0.00001; gnomAD exomes 0.00001; TOPMed 0.00002.
gnomAD v4.1: 7 of 1,613,594 alleles (0.00043%); highest among the groups gnomAD compares: Non-Finnish European, 0.00059%; no homozygotes.

Submissions (7):

3billion
Classification: Uncertain significance for Autosomal recessive limb-girdle muscular dystrophy type 2J. Last evaluated: 2025-06-11. Review status: criteria provided, single submitter. Criteria: ACMG Guidelines, 2015. Collection method: clinical testing. Allele origin: germline. Affected: yes.
Comment: The variant is observed at an extremely low frequency in the gnomAD v4.1.0 dataset (total allele frequency: <0.001%). Predicted Consequence/Location: Missense variant. The majority of the known disease-causing variants of this gene are variants expected to result in premature termination of the protein. In silico tool predictions suggest damaging effect of the variant on gene or gene product [REVEL: 0.70 (>=0.6, sensitivity 0.68 and specificity 0.92)]. The variant has been reported as of uncertain significance (ClinVar ID: VCV000467677). Different missense changes at the same codon have been reported as of uncertain significance (ClinVar ID: VCV002946058). Therefore, this variant is classified as VUS according to the recommendation of ACMG/AMP guideline.

Blueprint Genetics
Classification: Uncertain significance. Last evaluated: 2023-04-18. Review status: criteria provided, single submitter. Criteria: ACMG Guidelines, 2015. Collection method: clinical testing. Allele origin: germline.

Institute of Medical Genetics and Applied Genomics, University Hospital Tübingen
Classification: Uncertain significance for Early-onset myopathy with fatal cardiomyopathy. Last evaluated: 2022-12-07. Review status: criteria provided, single submitter. Criteria: ACMG Guidelines, 2015. Collection method: clinical testing. Allele origin: germline. Inheritance: Autosomal recessive inheritance. Affected: yes.

Labcorp Genetics (formerly Invitae), Labcorp
Classification: Uncertain significance for Dilated cardiomyopathy 1G; Autosomal recessive limb-girdle muscular dystrophy type 2J. Last evaluated: 2017-03-08. Review status: criteria provided, single submitter. Criteria: Invitae Variant Classification Sherloc (09022015). Collection method: clinical testing. Allele origin: germline.

Clinical Genetics DNA and cytogenetics Diagnostics Lab, Erasmus MC, Erasmus Medical Center
Classification: Uncertain significance. Review status: no assertion criteria provided. Collection method: clinical testing. Allele origin: germline. Affected: yes. Study: VKGL Data-share Consensus. Not counted in ClinVar's aggregate classification.

Clinical Genetics, Academic Medical Center
Classification: Uncertain significance. Review status: no assertion criteria provided. Collection method: clinical testing. Allele origin: germline. Affected: yes. Study: VKGL Data-share Consensus. Not counted in ClinVar's aggregate classification.

Diagnostic Laboratory, Department of Genetics, University Medical Center Groningen
Classification: Uncertain significance. Review status: no assertion criteria provided. Collection method: clinical testing. Allele origin: germline. Affected: yes. Study: VKGL Data-share Consensus. Not counted in ClinVar's aggregate classification.